The following is an entry in ClinVar:

ClinVar aggregate classification (germline): Uncertain significance. Review status: criteria provided, multiple submitters, no conflicts (2 of 4 stars). 6 submissions from 6 submitters: Uncertain significance (6). Last evaluated 2026-02-20.

Conditions:
ZNF469-related disorder. Also called: ZNF469-related condition.
Cardiovascular phenotype. Identifiers: MedGen CN230736.

Allele frequency attached by ClinVar (database versions not stated): gnomAD exomes 0.00001; 1000 Genomes Project 30x 0.00016.
gnomAD v4.1: 8 of 1,550,242 alleles (0.00052%); highest among the groups gnomAD compares: Admixed American, 0.002%; no homozygotes.

Submissions (6):

PreventionGenetics, part of Exact Sciences
Classification: Uncertain significance for ZNF469-related condition. Last evaluated: 2026-02-20. Review status: criteria provided, single submitter. Criteria: ACMG Guidelines, 2015. Collection method: clinical testing. Allele origin: germline.
Comment: The ZNF469 c.5300C>A variant is predicted to result in the amino acid substitution p.Ala1767Asp. To our knowledge, this variant has not been reported in the literature. This variant is reported in 0.0041% of alleles in individuals of Latino descent in gnomAD. At this time, the clinical significance of this variant is uncertain due to the absence of conclusive functional and genetic evidence.

Mayo Clinic Laboratories, Mayo Clinic
Classification: Uncertain significance. Last evaluated: 2025-06-19. Review status: criteria provided, single submitter. Criteria: ACMG Guidelines, 2015. Collection method: clinical testing. Allele origin: germline. Observed: 1 variant allele.
Comment: BP4_moderate, PM2_supporting

Labcorp Genetics (formerly Invitae), Labcorp
Classification: Uncertain significance. Last evaluated: 2023-10-14. Review status: criteria provided, single submitter. Criteria: Invitae Variant Classification Sherloc (09022015). Collection method: clinical testing. Allele origin: germline.
Comment: This sequence change replaces alanine, which is neutral and non-polar, with aspartic acid, which is acidic and polar, at codon 1767 of the ZNF469 protein (p.Ala1767Asp). This variant is present in population databases (no rsID available, gnomAD 0.004%). This variant has not been reported in the literature in individuals affected with ZNF469-related conditions. ClinVar contains an entry for this variant (Variation ID: 1215271). An algorithm developed to predict the effect of missense changes on protein structure and function (PolyPhen-2) suggests that this variant is likely to be disruptive. In summary, the available evidence is currently insufficient to determine the role of this variant in disease. Therefore, it has been classified as a Variant of Uncertain Significance.

Women's Health and Genetics/Laboratory Corporation of America, LabCorp
Classification: Uncertain significance. Last evaluated: 2022-10-29. Review status: criteria provided, single submitter. Criteria: LabCorp Variant Classification Summary - May 2015. Collection method: clinical testing. Allele origin: germline.
Comment: Variant summary: ZNF469 c.5384C>A (p.Ala1795Asp) results in a non-conservative amino acid change in the encoded protein sequence. Three of four in-silico tools predict a benign effect of the variant on protein function. The variant allele was found at a frequency of 1.3e-05 in 152856 control chromosomes (gnomAD). The available data on variant occurrences in the general population are insufficient to allow any conclusion about variant significance. To our knowledge, no occurrence of c.5384C>A in individuals affected with Brittle Cornea Syndrome 1 and no experimental evidence demonstrating its impact on protein function have been reported. One ClinVar submitter has assessed the variant since 2014: the variant was classified as uncertain significance. Based on the evidence outlined above, the variant was classified as uncertain significance.

Ambry Genetics
Classification: Uncertain significance for Cardiovascular phenotype. Last evaluated: 2022-07-11. Review status: criteria provided, single submitter. Criteria: Ambry Variant Classification Scheme 2023. Collection method: clinical testing. Allele origin: germline.
Comment: The p.A1767D variant (also known as c.5300C>A), located in coding exon 2 of the ZNF469 gene, results from a C to A substitution at nucleotide position 5300. The alanine at codon 1767 is replaced by aspartic acid, an amino acid with dissimilar properties. This amino acid position is conserved. In addition, this alteration is predicted to be tolerated by in silico analysis. Since supporting evidence is limited at this time, the clinical significance of this alteration remains unclear.

GeneDx
Classification: Uncertain significance. Last evaluated: 2022-05-05. Review status: criteria provided, single submitter. Criteria: GeneDx Variant Classification Process June 2021. Collection method: clinical testing. Allele origin: germline. Affected: yes.
Comment: Not observed at significant frequency in large population cohorts (gnomAD); In silico analysis, which includes protein predictors and evolutionary conservation, supports that this variant does not alter protein structure/function; Has not been previously published as pathogenic or benign to our knowledge

NM_001367624.2(ZNF469):c.5384C>A (p.Ala1795Asp)

Gene: ZNF469 (zinc finger protein 469; plus strand). Cytogenetic location: 16q24.2.
Variant type: single nucleotide variant.
Coding change: c.5384C>A on transcript NM_001367624.2 (MANE Select); coding-DNA position 5384, C replaced by A.
Protein change: p.Ala1795Asp; replaces alanine 1795 with aspartic acid.
Molecular consequence: missense variant.
Genome position (GRCh38, 1-based): chr16:88,432,854, C>A. VCF-style: chr16-88432854-C-A. GRCh37 (hg19) VCF-style: chr16-88499262-C-A.
Other names: NM_001127464.1:c.5300C>A; p.Ala1795Asp; NM_001127464.2:c.5300C>A; short protein forms A1795D.
Identifiers: ClinVar variation 1215271 (VCV001215271.12), dbSNP rs1013562167, ClinGen allele CA286377443.
Genomic context (GRCh38, chr16:88,432,854, plus strand): 5'-GGTTCCTCCCAGAGCCCGGCACAGCAGACCAGCCCCACCGAGGGGCCCCTGCTCCAGAAG[C>A]TTTTGGCAGCCCTGCTGTCCATCTGGCCCCTGACTTGGCATTTCAGGGTGACGGGGCTCC-3'
Protein context (NP_001354553.1, residues 1785-1805): QPHRGAPAPE[Ala1795Asp]FGSPAVHLAP